The following is an entry in ClinVar:

NM_001184.4(ATR):c.1170+148_1170+149insA

Gene: ATR (ATR checkpoint kinase; minus strand). Cytogenetic location: 3q23.
Variant type: Insertion.
Coding change: c.1170+148_1170+149insA on transcript NM_001184.4 (MANE Select); bases 148 to 149 of the intron after coding-DNA position 1170, A inserted.
Molecular consequence: intron variant.
Genome position: GRCh38 VCF-style: chr3-142562083-G-GT. GRCh37 (hg19) VCF-style: chr3-142280925-G-GT.
Other names: c.1170+148_1170+149insA (NM_001354579.2).
Identifiers: ClinVar variation 680032 (VCV000680032.1), dbSNP rs201956927, ClinGen allele CA84755378.

ClinVar aggregate classification (germline): Benign (1 of 4 stars; one submission).

Allele frequency attached by ClinVar (database versions not stated): 1000 Genomes Project 30x 0.11462; 1000 Genomes Project 0.11701; TOPMed 0.13205; gnomAD 0.13730 and 0.13887; gnomAD exomes 0.14838.

Submission:

GeneDx
Classification: Benign. Last evaluated: 2018-06-16. Review status: criteria provided, single submitter. Criteria: GeneDx Variant Classification (06012015). Collection method: clinical testing. Allele origin: germline. Affected: yes.
Comment: This variant is considered likely benign or benign based on one or more of the following criteria: it is a conservative change, it occurs at a poorly conserved position in the protein, it is predicted to be benign by multiple in silico algorithms, and/or has population frequency not consistent with disease.